The following is an entry in ClinVar:

NM_001854.4(COL11A1):c.3511G>C (p.Gly1171Arg)

Gene: COL11A1 (collagen type XI alpha 1 chain; minus strand). Cytogenetic location: 1p21.1.
Variant type: single nucleotide variant.
Coding change: c.3511G>C on transcript NM_001854.4 (MANE Select); coding-DNA position 3511, G replaced by C.
Protein change: p.Gly1171Arg; replaces glycine 1171 with arginine.
Molecular consequence: missense variant. On other transcripts: non-coding transcript variant (1).
Genome position (GRCh38, 1-based): chr1:102,934,538, C>G on the plus strand (G>C on the coding strand, the complement: COL11A1 is on the minus strand). VCF-style: chr1-102934538-C-G. GRCh37 (hg19) VCF-style: chr1-103400094-C-G.
Other names: c.3163G>C, p.Gly1055Arg (NM_001168249.1, NM_080630.4); c.3394G>C, p.Gly1132Arg (NM_001190709.2); c.3547G>C, p.Gly1183Arg (NM_080629.3); short protein forms G1055R, G1132R, G1171R, G1183R.
Identifiers: ClinVar variation 3235930 (VCV003235930.1), dbSNP rs2524688590, ClinGen allele CA341168116.
Genomic context (GRCh38, chr1:102,934,538, plus strand): 5'-GGAAGCCTCTGGCACCCTCATCACCTTTTTGCCCAAACATCCCCTGCTGTCCTCTAGGAC[C>G]TGGTTCACCATCACCTCCCTAGAGAAGAGAAAGAAACATTATCACAAACTGGAAAAAATC-3'
Protein context (NP_001845.3, residues 1161-1181): PGIAGGDGEP[Gly1171Arg]PRGQQGMFGQ

ClinVar aggregate classification (germline): Uncertain significance (1 of 4 stars; one submission).

Conditions:
Stickler syndrome type 2 (STL2). Also called: STICKLER SYNDROME, TYPE II; STICKLER SYNDROME, BEADED VITREOUS TYPE; STICKLER SYNDROME, VITREOUS TYPE 2; COL11A1-Related Stickler Syndrome. Identifiers: Orphanet 828, Orphanet 90654, MedGen C1858084, MONDO:0011493, OMIM 604841.
Marshall syndrome (MRSHS). Identifiers: Orphanet 560, MedGen C0265235, MONDO:0007949, OMIM 154780.

Submission:

New York Genome Center
Classification: Uncertain significance for Stickler syndrome type 2; Marshall syndrome. Last evaluated: 2023-12-22. Review status: criteria provided, single submitter. Criteria: NYGC Assertion Criteria 2020. Collection method: clinical testing. Allele origin: inherited. Affected: yes. Observed: 1 heterozygote. Study: PrenatalSEQ.
Comment: The c.3511G>C variant in COL11A1 has not previously been reported in the literature or public variant repositories (ClinVar and LOVD), and is absent from population databases (gnomAD v4.0.0, TOPMed Freeze 10, All of Us), suggesting it is not a common benign variant in the populations represented in those databases. The c.3511G>C variant in COL11A1 is located in exon 46 of this 67-exon gene, and is predicted to replace an evolutionarily conserved glycine amino acid with arginine at position 1171 (p.(Gly1171Arg)) in the encoded protein. In silico predictions are strongly in favor of damaging effect for the p.(Gly1171Arg) variant [CADD v1.6 = 29.5, REVEL = 0.997]; however, there are no functional studies to support or refute these predictions. Recently, another missense variant affecting the same residue (c.3512G>A:p.(Gly1171Asp)) has been deposited in ClinVar and presented as an abstract in a scientific meeting reporting a segregation of the variant in 4 affected family members with COL11A1-related phenotype [ClinVar ID= 2446721; DOI 10.1016/j.gimo.2023.100674]. Based on available evidence this inherited heterozygous c.3511G>C p.(Gly1171Arg) variant identified in COL11A1 is classified here as Variant of Uncertain Significance.